The following is an entry in ClinVar:

NM_018685.5(ANLN):c.553_554delinsGA (p.Arg185Glu)

Gene: ANLN (anillin, actin binding protein; plus strand). Cytogenetic location: 7p14.2.
Variant type: Indel.
Coding change: c.553_554delinsGA on transcript NM_018685.5 (MANE Select); coding-DNA positions 553 to 554, AG replaced by GA.
Protein change: p.Arg185Glu; replaces arginine 185 with glutamic acid.
Molecular consequence: missense variant.
Genome position (GRCh38, 1-based): chr7:36,406,246-36,406,247, AG replaced by GA. VCF-style: chr7-36406246-AG-GA. GRCh37 (hg19) VCF-style: chr7-36445855-AG-GA.
Other names: c.553_554delinsGA, p.Arg185Glu (NM_001284301.3, NM_001284302.3); short protein forms R185E.
Identifiers: ClinVar variation 1932232 (VCV001932232.5), dbSNP rs386712160, ClinGen allele CA2580077081.

ClinVar aggregate classification (germline): Uncertain significance (1 of 4 stars; one submission).

Submission:

Labcorp Genetics (formerly Invitae), Labcorp
Classification: Uncertain significance. Last evaluated: 2022-01-17. Review status: criteria provided, single submitter. Criteria: Invitae Variant Classification Sherloc (09022015). Collection method: clinical testing. Allele origin: germline.
Comment: In summary, the available evidence is currently insufficient to determine the role of this variant in disease. Therefore, it has been classified as a Variant of Uncertain Significance. Algorithms developed to predict the effect of missense changes on protein structure and function are either unavailable or do not agree on the potential impact of this missense change (SIFT: "Not Available"; PolyPhen-2: "Benign"; Align-GVGD: "Not Available"). This variant has not been reported in the literature in individuals affected with ANLN-related conditions. Information on the frequency of this variant in the gnomAD database is not available, as this variant may be reported differently in the database. This sequence change replaces arginine, which is basic and polar, with glutamic acid, which is acidic and polar, at codon 185 of the ANLN protein (p.Arg185Glu).